The following is an entry in ClinVar:

ClinVar aggregate classification (germline): Conflicting classifications of pathogenicity. Review status: criteria provided, conflicting classifications (1 of 4 stars). 2 submissions from 2 submitters: Uncertain significance (1); Likely benign (1). Last evaluated 2023-03-23.

Conditions:
Hereditary cancer-predisposing syndrome. Also called: Neoplastic Syndromes, Hereditary; Tumor predisposition; Hereditary neoplastic syndrome; Hereditary Cancer Syndrome. Identifiers: Orphanet 140162, MedGen C0027672, MeSH D009386, MONDO:0015356.

Submissions (2):

University of Washington Department of Laboratory Medicine, University of Washington
Classification: Likely benign for Hereditary cancer-predisposing syndrome. Last evaluated: 2023-03-23. Review status: criteria provided, single submitter. Criteria: Dines et al. (Genet Med. 2020). Collection method: curation. Allele origin: germline.
Comment: Missense variant in a coldspot region where missense variants are very unlikely to be pathogenic (PMID:31911673).

BRCA2 exon 11 coldspot. Reclassification based on statistical prior probability.

Ambry Genetics
Classification: Uncertain significance for Hereditary cancer-predisposing syndrome. Last evaluated: 2019-09-06. Review status: criteria provided, single submitter. Criteria: Ambry Variant Classification Scheme 2023. Collection method: clinical testing. Allele origin: germline.
Comment: The p.L1522S variant (also known as c.4565T>C), located in coding exon 10 of the BRCA2 gene, results from a T to C substitution at nucleotide position 4565. The leucine at codon 1522 is replaced by serine, an amino acid with dissimilar properties. This amino acid position is not well conserved in available vertebrate species. In addition, the in silico prediction for this alteration is inconclusive. Since supporting evidence is limited at this time, the clinical significance of this alteration remains unclear.

NM_000059.4(BRCA2):c.4565T>C (p.Leu1522Ser)

Gene: BRCA2 (BRCA2 DNA repair associated; plus strand). Cytogenetic location: 13q13.1.
Variant type: single nucleotide variant.
Coding change: c.4565T>C on transcript NM_000059.4 (MANE Select); coding-DNA position 4565, T replaced by C.
Protein change: p.Leu1522Ser; replaces leucine 1522 with serine.
Molecular consequence: missense variant.
Genome position (GRCh38, 1-based): chr13:32,338,920, T>C. VCF-style: chr13-32338920-T-C. GRCh37 (hg19) VCF-style: chr13-32913057-T-C.
Other names: short protein forms L1522S.
Identifiers: ClinVar variation 825006 (VCV000825006.6), dbSNP rs1593902785, ClinGen allele CA387781848.